The following is an entry in ClinVar:

ClinVar aggregate classification (germline): Uncertain significance. Review status: criteria provided, multiple submitters, no conflicts (2 of 4 stars). 2 submissions from 2 submitters: Uncertain significance (2). Last evaluated 2025-05-27.

Allele frequency attached by ClinVar (database versions not stated): ExAC 0.00001; gnomAD exomes 0.00002; 1000 Genomes Project 0.00020; TOPMed 0.00022; 1000 Genomes Project 30x 0.00031; gnomAD 0.00005.
gnomAD v4.1: 26 of 1,614,168 alleles (0.0016%); highest among the groups gnomAD compares: Admixed American, 0.03%; no homozygotes.

Submissions (2):

Labcorp Genetics (formerly Invitae), Labcorp
Classification: Uncertain significance. Last evaluated: 2025-05-27. Review status: criteria provided, single submitter. Criteria: Invitae Variant Classification Sherloc (09022015). Collection method: clinical testing. Allele origin: germline.
Comment: This sequence change replaces glutamic acid, which is acidic and polar, with aspartic acid, which is acidic and polar, at codon 1071 of the KANK1 protein (p.Glu1071Asp). This variant is present in population databases (rs572159737, gnomAD 0.01%). This variant has not been reported in the literature in individuals affected with KANK1-related conditions. ClinVar contains an entry for this variant (Variation ID: 2357540). Invitae Evidence Modeling of protein sequence and biophysical properties (such as structural, functional, and spatial information, amino acid conservation, physicochemical variation, residue mobility, and thermodynamic stability) indicates that this missense variant is not expected to disrupt KANK1 protein function with a negative predictive value of 80%. In summary, the available evidence is currently insufficient to determine the role of this variant in disease. Therefore, it has been classified as a Variant of Uncertain Significance.

Ambry Genetics
Classification: Uncertain significance. Last evaluated: 2022-06-10. Review status: criteria provided, single submitter. Criteria: Ambry Variant Classification Scheme 2023. Collection method: clinical testing. Allele origin: germline.

NM_015158.5(KANK1):c.3213A>T (p.Glu1071Asp)

Gene: KANK1 (KN motif and ankyrin repeat domains 1; plus strand). Cytogenetic location: 9p24.3.
Variant type: single nucleotide variant.
Coding change: c.3213A>T on transcript NM_015158.5 (MANE Select); coding-DNA position 3213, A replaced by T.
Protein change: p.Glu1071Asp; replaces glutamic acid 1071 with aspartic acid.
Molecular consequence: missense variant. On other transcripts: intron variant (5).
Genome position (GRCh38, 1-based): chr9:732,585, A>T. VCF-style: chr9-732585-A-T. GRCh37 (hg19) VCF-style: chr9-732585-A-T.
Other names: c.3213A>T, p.Glu1071Asp (NM_001256876.3, NM_001256877.3, NM_001354334.2); c.3159A>T, p.Glu1053Asp (NM_001354332.2); c.2739A>T, p.Glu913Asp (NM_001354333.2, NM_001354335.2, NM_001354337.2 and 2 more transcripts); c.2685A>T, p.Glu895Asp (NM_001354338.2, NM_001354340.2, NM_001354344.2); c.3005+1319A>T (NM_001354331.2); c.2477+1319A>T (NM_001354336.2); c.2531+1319A>T (NM_001354339.2, NM_001354343.2, NM_001354342.2); short protein forms E1053D, E913D, E895D, E1071D.
Identifiers: ClinVar variation 2357540 (VCV002357540.5), dbSNP rs572159737, ClinGen allele CA4960807.